The following is an entry in ClinVar:

ClinVar aggregate classification (germline): Likely pathogenic. Review status: criteria provided, single submitter (1 of 4 stars). 2 submissions from 2 submitters: Likely pathogenic (1). 1 of the submissions does not count toward it. Last evaluated 2024-11-27.

Conditions:
Medium-chain acyl-coenzyme A dehydrogenase deficiency (ACADMD). Also called: MCADH DEFICIENCY; MCAD Deficiency; ACADM DEFICIENCY; MCADD; CARNITINE DEFICIENCY SECONDARY TO MEDIUM-CHAIN ACYL-CoA DEHYDROGENASE DEFICIENCY; Medium chain acyl-CoA dehydrogenase deficiency. Identifiers: Orphanet 42, MedGen C0220710, MONDO:0008721, OMIM 201450.

Allele frequency attached by ClinVar (database versions not stated): gnomAD exomes below 0.00001.
gnomAD v4.1: 3 of 1,613,834 alleles (0.00019%); highest among the groups gnomAD compares: South Asian, 0.0033%; no homozygotes.

Submissions (2):

Labcorp Genetics (formerly Invitae), Labcorp
Classification: Likely pathogenic for Medium-chain acyl-coenzyme A dehydrogenase deficiency. Last evaluated: 2024-11-27. Review status: criteria provided, single submitter. Criteria: Invitae Variant Classification Sherloc (09022015). Collection method: clinical testing. Allele origin: germline.
Comment: This sequence change replaces alanine, which is neutral and non-polar, with threonine, which is neutral and polar, at codon 81 of the ACADM protein (p.Ala81Thr). This variant is present in population databases (no rsID available, gnomAD 0.003%). This missense change has been observed in individual(s) with clinical features of ACADM-related conditions and/or MCAD deficiency (internal data). In at least one individual the data is consistent with being in trans (on the opposite chromosome) from a pathogenic variant. ClinVar contains an entry for this variant (Variation ID: 947874). Invitae Evidence Modeling of protein sequence and biophysical properties (such as structural, functional, and spatial information, amino acid conservation, physicochemical variation, residue mobility, and thermodynamic stability) has been performed for this missense variant. However, the output from this modeling did not meet the statistical confidence thresholds required to predict the impact of this variant on ACADM protein function. In summary, the currently available evidence indicates that the variant is pathogenic, but additional data are needed to prove that conclusively. Therefore, this variant has been classified as Likely Pathogenic.

Natera, Inc.
Classification: Uncertain significance for Medium Chain Acyl-CoA Dehydrogenase Deficiency. Last evaluated: 2018-09-25. Review status: no assertion criteria provided. Collection method: clinical testing. Allele origin: germline. Not counted in ClinVar's aggregate classification.

NM_000016.6(ACADM):c.241G>A (p.Ala81Thr)

Gene: ACADM (acyl-CoA dehydrogenase medium chain; plus strand). Cytogenetic location: 1p31.1.
Variant type: single nucleotide variant.
Coding change: c.241G>A on transcript NM_000016.6 (MANE Select); coding-DNA position 241, G replaced by A.
Protein change: p.Ala81Thr; replaces alanine 81 with threonine.
Molecular consequence: missense variant. On other transcripts: 5 prime UTR variant (1).
Genome position (GRCh38, 1-based): chr1:75,732,877, G>A. VCF-style: chr1-75732877-G-A. GRCh37 (hg19) VCF-style: chr1-76198562-G-A.
Other names: c.253G>A, p.Ala85Thr (NM_001127328.3); c.133G>A, p.Ala45Thr (NM_001286042.2); c.241G>A, p.Ala81Thr (NM_001286043.2); c.-145G>A (NM_001286044.2); short protein forms A45T, A81T, A85T.
Identifiers: ClinVar variation 947874 (VCV000947874.10), dbSNP rs1448376709, ClinGen allele CA340809883.